The following is an entry in ClinVar:

ClinVar aggregate classification (germline): Likely benign (1 of 4 stars; one submission).

Allele frequency attached by ClinVar (database versions not stated): TOPMed below 0.00001.

Submission:

CeGaT Center for Human Genetics Tuebingen
Classification: Likely benign. Last evaluated: 2024-04-01. Review status: criteria provided, single submitter. Criteria: CeGaT Center For Human Genetics Tuebingen Variant Classification Criteria Version 2. Collection method: clinical testing. Allele origin: germline. Affected: yes. Observed: 1 variant allele.
Comment: RHCE: BP4, BP7

NM_020485.8(RHCE):c.174G>C (p.Ala58=)

Gene: RHCE (Rh blood group CcEe antigens; minus strand). Cytogenetic location: 1p36.11.
Variant type: single nucleotide variant.
Coding change: c.174G>C on transcript NM_020485.8 (MANE Select); coding-DNA position 174, G replaced by C.
Protein change: p.Ala58=; no amino-acid change (alanine 58 retained).
Molecular consequence: synonymous variant.
Genome position (GRCh38, 1-based): chr1:25,408,844, C>G on the plus strand (G>C on the coding strand, the complement: RHCE is on the minus strand). VCF-style: chr1-25408844-C-G. GRCh37 (hg19) VCF-style: chr1-25735335-C-G.
Other names: c.174G>C, p.Ala58= (NM_138617.5, NM_138618.6, NM_001330430.4 and 1 more transcripts).
Identifiers: ClinVar variation 3234733 (VCV003234733.20), dbSNP rs376364569, ClinGen allele CA416738530.